The following is an entry in ClinVar:

ClinVar aggregate classification (germline): Uncertain significance (1 of 4 stars; one submission).

Conditions:
Hereditary cancer-predisposing syndrome. Also called: Hereditary Cancer Syndrome; Tumor predisposition; Hereditary neoplastic syndrome; Neoplastic Syndromes, Hereditary. Identifiers: Orphanet 140162, MedGen C0027672, MeSH D009386, MONDO:0015356.

Submission:

Ambry Genetics
Classification: Uncertain significance for Hereditary cancer-predisposing syndrome. Last evaluated: 2024-06-17. Review status: criteria provided, single submitter. Criteria: Ambry Variant Classification Scheme 2023. Collection method: clinical testing. Allele origin: germline.
Comment: The p.L393P variant (also known as c.1178T>C), located in coding exon 5 of the BLM gene, results from a T to C substitution at nucleotide position 1178. The leucine at codon 393 is replaced by proline, an amino acid with similar properties. This amino acid position is conserved. In addition, this alteration is predicted to be tolerated by in silico analysis. Based on the available evidence, the clinical significance of this variant remains unclear.

NM_000057.4(BLM):c.1178T>C (p.Leu393Pro)

Gene: BLM (BLM RecQ like helicase; plus strand). Cytogenetic location: 15q26.1.
Variant type: single nucleotide variant.
Coding change: c.1178T>C on transcript NM_000057.4 (MANE Select); coding-DNA position 1178, T replaced by C.
Protein change: p.Leu393Pro; replaces leucine 393 with proline.
Molecular consequence: missense variant.
Genome position (GRCh38, 1-based): chr15:90,760,237, T>C. VCF-style: chr15-90760237-T-C. GRCh37 (hg19) VCF-style: chr15-91303467-T-C.
Other names: c.1178T>C, p.Leu393Pro (NM_001287246.2, NM_001287247.2); c.53T>C, p.Leu18Pro (NM_001287248.2); short protein forms L18P, L393P.
Identifiers: ClinVar variation 3261056 (VCV003261056.1).